The following is an entry in ClinVar:

ClinVar aggregate classification (germline): Benign/Likely benign. Review status: criteria provided, multiple submitters, no conflicts (2 of 4 stars). 2 submissions from 2 submitters: Benign (1); Likely benign (1). Last evaluated 2024-09-25.

Conditions:
Familial melanoma. Also called: Hereditary melanoma; Hereditary cutaneous melanoma. Identifiers: Orphanet 618, MedGen C1512419, MONDO:0018961.
Melanoma, cutaneous malignant, susceptibility to, 3. Also called: Cutaneous malignant melanoma 3. Identifiers: Orphanet 618, MedGen C1836892, MONDO:0012183, OMIM 609048.

Allele frequency attached by ClinVar (database versions not stated): gnomAD exomes below 0.00001.
gnomAD v4.1: 1 of 1,614,150 alleles (0.000062%); highest among the groups gnomAD compares: Non-Finnish European, 0.000085%; no homozygotes.

Submissions (2):

Myriad Genetics, Inc.
Classification: Benign for Melanoma, cutaneous malignant, susceptibility to, 3. Last evaluated: 2024-09-25. Review status: criteria provided, single submitter. Criteria: Myriad Autosomal Dominant, Autosomal Recessive and X-Linked Classification Criteria (2023). Collection method: clinical testing. Allele origin: unknown.
Comment: This variant is considered benign. This variant is a silent/synonymous amino acid change and it is not expected to impact splicing.

Labcorp Genetics (formerly Invitae), Labcorp
Classification: Likely benign for Familial melanoma. Last evaluated: 2021-12-27. Review status: criteria provided, single submitter. Criteria: Invitae Variant Classification Sherloc (09022015). Collection method: clinical testing. Allele origin: germline.

NM_000075.4(CDK4):c.298C>T (p.Leu100=)

Gene: CDK4 (cyclin dependent kinase 4; minus strand). Cytogenetic location: 12q14.1.
Variant type: single nucleotide variant.
Coding change: c.298C>T on transcript NM_000075.4 (MANE Select); coding-DNA position 298, C replaced by T.
Protein change: p.Leu100=; no amino-acid change (leucine 100 retained).
Molecular consequence: synonymous variant.
Genome position (GRCh38, 1-based): chr12:57,751,263, G>A on the plus strand (C>T on the coding strand, the complement: CDK4 is on the minus strand). VCF-style: chr12-57751263-G-A. GRCh37 (hg19) VCF-style: chr12-58145046-G-A.
Identifiers: ClinVar variation 2061673 (VCV002061673.5), dbSNP rs2140387347, ClinGen allele CA480404609.